The following is an entry in ClinVar:

ClinVar aggregate classification (germline): Conflicting classifications of pathogenicity. Review status: criteria provided, conflicting classifications (1 of 4 stars). 5 submissions from 5 submitters: Uncertain significance (1); Benign (1); Likely benign (3). Last evaluated 2026-06-18.

Conditions:
ROM1-related disorder. Also called: ROM1-related condition.
Retinal dystrophy. Also called: Inherited retinal dystrophy. Identifiers: Orphanet 71862, MedGen C0854723, MeSH D058499, MONDO:0019118, HP:0000556.

Allele frequency attached by ClinVar (database versions not stated): gnomAD exomes 0.00014 and 0.00026; ExAC 0.00031; ESP Exome Variant Server 0.00069; 1000 Genomes Project 30x 0.00078; 1000 Genomes Project 0.00080; TOPMed 0.00086.
gnomAD v4.1: 308 of 1,614,168 alleles (0.019%); highest among the groups gnomAD compares: African/African-American, 0.25%; no homozygotes.

Submissions (5):

PreventionGenetics, part of Exact Sciences
Classification: Likely benign for ROM1-related condition. Last evaluated: 2026-06-18. Review status: criteria provided, single submitter. Criteria: ACMG Guidelines, 2015. Collection method: clinical testing. Allele origin: germline.
Comment: This variant is classified as likely benign based on ACMG/AMP sequence variant interpretation guidelines (Richards et al. 2015 PMID: 25741868, with internal and published modifications).

Labcorp Genetics (formerly Invitae), Labcorp
Classification: Likely benign. Last evaluated: 2025-12-10. Review status: criteria provided, single submitter. Criteria: Invitae Variant Classification Sherloc (09022015). Collection method: clinical testing. Allele origin: germline.

Blueprint Genetics
Classification: Likely benign. Last evaluated: 2024-09-13. Review status: criteria provided, single submitter. Criteria: ACMG Guidelines, 2015. Collection method: clinical testing. Allele origin: germline.

Dept Of Ophthalmology, Nagoya University
Classification: Benign for Retinal dystrophy. Last evaluated: 2023-10-01. Review status: criteria provided, single submitter. Criteria: Submitter's publication. Collection method: research. Allele origin: germline. Affected: yes.

CeGaT Center for Human Genetics Tuebingen
Classification: Uncertain significance. Last evaluated: 2019-06-01. Review status: criteria provided, single submitter. Criteria: CeGaT Center For Human Genetics Tuebingen Variant Classification Criteria Version 2. Collection method: clinical testing. Allele origin: germline. Affected: yes. Observed: 1 variant allele.

NM_000327.4(ROM1):c.512G>A (p.Arg171His)

Gene: ROM1 (retinal outer segment membrane protein 1; plus strand). Cytogenetic location: 11q12.3.
Variant type: single nucleotide variant.
Coding change: c.512G>A on transcript NM_000327.4 (MANE Select); coding-DNA position 512, G replaced by A.
Protein change: p.Arg171His; replaces arginine 171 with histidine.
Molecular consequence: missense variant.
Genome position (GRCh38, 1-based): chr11:62,613,793, G>A. VCF-style: chr11-62613793-G-A. GRCh37 (hg19) VCF-style: chr11-62381265-G-A.
Other names: short protein forms R171H.
Identifiers: ClinVar variation 806684 (VCV000806684.52), dbSNP rs150926409, ClinGen allele CA6049750.